The following is an entry in ClinVar:

NM_001378609.3(OTOGL):c.4274G>A (p.Arg1425Gln)

Gene: OTOGL (otogelin like; plus strand). Cytogenetic location: 12q21.31.
Variant type: single nucleotide variant.
Coding change: c.4274G>A on transcript NM_001378609.3 (MANE Select); coding-DNA position 4274, G replaced by A.
Protein change: p.Arg1425Gln; replaces arginine 1425 with glutamine.
Molecular consequence: missense variant.
Genome position (GRCh38, 1-based): chr12:80,328,739, G>A. VCF-style: chr12-80328739-G-A. GRCh37 (hg19) VCF-style: chr12-80722519-G-A.
Other names: c.4139G>A, p.Arg1380Gln (NM_001368062.3); c.4274G>A, p.Arg1425Gln (NM_001378610.3, NM_173591.7); short protein forms R1380Q, R1425Q.
Identifiers: ClinVar variation 1696885 (VCV001696885.3), dbSNP rs374659070, ClinGen allele CA6701318.

ClinVar aggregate classification (germline): Uncertain significance (1 of 4 stars; one submission).

Allele frequency attached by ClinVar (database versions not stated): ExAC 0.00001; gnomAD 0.00003 and 0.00004; TOPMed 0.00003; ESP Exome Variant Server 0.00008.
gnomAD v4.1: 18 of 1,592,508 alleles (0.0011%); highest among the groups gnomAD compares: African/African-American, 0.0027%; no homozygotes.

Submission:

GeneDx
Classification: Uncertain significance. Last evaluated: 2024-02-28. Review status: criteria provided, single submitter. Criteria: GeneDx Variant Classification Process June 2021. Collection method: clinical testing. Allele origin: germline. Affected: yes.
Comment: Not observed at significant frequency in large population cohorts (gnomAD); In silico analysis supports that this missense variant does not alter protein structure/function; Has not been previously published as pathogenic or benign to our knowledge